The following is an entry in ClinVar:

NM_005633.4(SOS1):c.3892A>G (p.Thr1298Ala)

Gene: SOS1 (SOS Ras/Rac guanine nucleotide exchange factor 1; minus strand). Cytogenetic location: 2p22.1.
Variant type: single nucleotide variant.
Coding change: c.3892A>G on transcript NM_005633.4 (MANE Select); coding-DNA position 3892, A replaced by G.
Protein change: p.Thr1298Ala; replaces threonine 1298 with alanine.
Molecular consequence: missense variant.
Genome position (GRCh38, 1-based): chr2:38,985,934, T>C on the plus strand (A>G on the coding strand, the complement: SOS1 is on the minus strand). VCF-style: chr2-38985934-T-C. GRCh37 (hg19) VCF-style: chr2-39213075-T-C.
Other names: c.3871A>G, p.Thr1291Ala (NM_001382394.1); c.3847A>G, p.Thr1283Ala (NM_001382395.1); short protein forms T1283A, T1291A, T1298A.
Identifiers: ClinVar variation 3224899 (VCV003224899.3), dbSNP rs139676674, ClinGen allele CA45673928.
Genomic context (GRCh38, chr2:38,985,934, plus strand): 5'-ATGGGTGTGTGTGCTCCCTTTTGTAAGTTTTTGGAGGGAGTTTAGGGATATGTTGAGAAG[T>C]GCTTTGTCGTGGAGGAACAGGCGGCCCAGCAATGGAATGAAGGTCCACTTCTTGTGTCAA-3'
Protein context (NP_005624.2, residues 1288-1308): AGPPVPPRQS[Thr1298Ala]SQHIPKLPPK

ClinVar aggregate classification (germline): Conflicting classifications of pathogenicity. Review status: criteria provided, conflicting classifications (1 of 4 stars). 3 submissions from 3 submitters: Uncertain significance (2); Likely benign (1). Last evaluated 2026-06-12.

Conditions:
RASopathy. Also called: rasopathies; Noonan spectrum disorder. Identifiers: Orphanet 536391, MedGen C5555857, MONDO:0021060.
Cardiovascular phenotype. Identifiers: MedGen CN230736.

Allele frequency attached by ClinVar (database versions not stated): TOPMed 0.00004; gnomAD exomes below 0.00001; ESP Exome Variant Server 0.00008.
gnomAD v4.1: 6 of 1,613,778 alleles (0.00037%); highest among the groups gnomAD compares: African/African-American, 0.008%; no homozygotes.

Submissions (3):

Women's Health and Genetics/Laboratory Corporation of America, LabCorp
Classification: Uncertain significance. Last evaluated: 2026-06-12. Review status: criteria provided, single submitter. Criteria: LabCorp Variant Classification Summary - May 2015. Collection method: clinical testing. Allele origin: germline.
Comment: Variant summary: SOS1 c.3892A>G (p.Thr1298Ala) results in a non-conservative amino acid change in the encoded protein sequence. Algorithms developed to predict the effect of missense changes on protein structure and function are either unavailable or do not agree on the potential impact of this missense change. The variant was absent in 251288 control chromosomes. The available data on variant occurrences in the general population are insufficient to allow any conclusion about variant significance. To our knowledge, no occurrence of c.3892A>G in individuals affected with SOS1-related conditions and no experimental evidence demonstrating its impact on protein function have been reported. ClinVar contains an entry for this variant (Variation ID: 3224899). Based on the evidence outlined above, the variant was classified as uncertain significance.

Labcorp Genetics (formerly Invitae), Labcorp
Classification: Likely benign for RASopathy. Last evaluated: 2025-09-18. Review status: criteria provided, single submitter. Criteria: Invitae Variant Classification Sherloc (09022015). Collection method: clinical testing. Allele origin: germline.

Ambry Genetics
Classification: Uncertain significance for Cardiovascular phenotype. Last evaluated: 2023-10-26. Review status: criteria provided, single submitter. Criteria: Ambry Variant Classification Scheme 2023. Collection method: clinical testing. Allele origin: germline.
Comment: The p.T1298A variant (also known as c.3892A>G), located in coding exon 23 of the SOS1 gene, results from an A to G substitution at nucleotide position 3892. The threonine at codon 1298 is replaced by alanine, an amino acid with similar properties. This alteration has been reported in association with arrhythmogenic right ventricular cardiomyopathy (ARVC) (Fedida J et al. PLoS One, 2017 Aug;12:e0181840). This amino acid position is well conserved in available vertebrate species. In addition, this alteration is predicted to be tolerated by in silico analysis. Since supporting evidence is limited at this time, the clinical significance of this alteration remains unclear.

Literature cited by the submitters: PubMed 28767663 (cited by Ambry Genetics).